The following is an entry in ClinVar:

ClinVar aggregate classification (germline): Pathogenic/Likely pathogenic. Review status: criteria provided, multiple submitters, no conflicts (2 of 4 stars). 14 submissions from 13 submitters: Pathogenic (9); Likely pathogenic (2). 3 of the submissions do not count toward it. Last evaluated 2026-04-28.

Conditions:
Sporadic aniridia.
Irido-corneo-trabecular dysgenesis (ASGD5). Also called: ANTERIOR SEGMENT DYSGENESIS 5. Identifiers: Orphanet 708, MedGen C0344559, MONDO:0011414, OMIM 604229, HP:0000659.
Aniridia 1 (AN1). Identifiers: Orphanet 250923, MedGen C0344542, MONDO:0024507, OMIM 106210.
PAX6-related disorder. Also called: PAX6-related disorders; PAX6-related condition.
Congenital ocular coloboma. Also called: Coloboma; COLOBOMA OF IRIS, CHOROID, AND RETINA; COLOBOMA, UVEORETINAL; Coloboma of eye. Identifiers: Orphanet 194, MedGen C0009363, MONDO:0001476, HP:0000589.
Foveal hypoplasia 1. Also called: FOVEAL HYPOPLASIA 1 WITH OR WITHOUT ANTERIOR SEGMENT ANOMALIES AND/OR CATARACT; FOVEAL HYPOPLASIA 1 WITH ANTERIOR SEGMENT ANOMALIES. Identifiers: Orphanet 2253, MedGen C3805604, MONDO:0007628, OMIM 136520.
11p partial monosomy syndrome (WAGR). Also called: CHROMOSOME 11p13 DELETION SYNDROME; WAGR syndrome; WAGR Complex; WAGR Spectrum Disorder. Identifiers: Orphanet 893, MedGen C0206115, MONDO:0008681, OMIM 194072.
Coloboma of optic nerve. Also called: OPTIC NERVE HEAD PITS, BILATERAL CONGENITAL; Coloboma of optic nerve (disease); Congenital coloboma of the optic nerve. Identifiers: Orphanet 35737, Orphanet 98947, MedGen C0155299, MONDO:0007354, OMIM 120430, HP:0000588.
Isolated optic nerve hypoplasia. Also called: Bilateral optic nerve hypoplasia. Identifiers: Orphanet 637061, MedGen C1833797, MONDO:0008136, OMIM 165550.
Autosomal dominant keratitis. Also called: Keratitis, hereditary. Identifiers: Orphanet 2334, MedGen C1835698, MONDO:0007848, OMIM 148190.
Visual impairment. Also called: Impaired vision; vision problems. Identifiers: MedGen C3665347, HP:0000505.
Nystagmus. Identifiers: MedGen C0028738, MONDO:0004843, HP:0000639.
Hypertelorism. Identifiers: MedGen C0020534, OMIM 145400, HP:0000316.

Submissions (14):

Genetics Laboratory, Great Ormond Street Hospital NHS Foundation Trust, North Thames Genomic Laboratory Hub
Classification: Pathogenic for Sporadic aniridia. Last evaluated: 2026-04-28. Review status: criteria provided, single submitter. Criteria: ACGS Best Practice Guidelines for Variant Classification in Rare Disease 2024 v1.2. Collection method: clinical testing. Allele origin: germline. Affected: yes.
Comment: PS4_moderate, PM2_moderate, PM4_moderate, PP1_moderate, PM6_very-strong

PreventionGenetics, part of Exact Sciences
Classification: Pathogenic for PAX6-related condition. Last evaluated: 2026-03-30. Review status: criteria provided, single submitter. Criteria: ACMG Guidelines, 2015. Collection method: clinical testing. Allele origin: germline.
Comment: The PAX6 c.1310A>T variant is predicted to result in extension of the open reading frame (p.*437Leuext*14). This variant is also known as X423L or Ter423LeuextTer15 in the literature. This variant has been reported in many unrelated individuals and families to be causative for aniridia (Singh et al. 2001. PubMed ID: 11309364; Sisodiya et al. 2001. PubMed ID: 11431688; Chao et al. 2003. PubMed ID: 12552561; Souzeau et al. 2018. PubMed ID: 29618921). To our knowledge, this variant has not been reported in the literature or in a large population database (gnomAD), indicating this variant is rare. This variant is interpreted as pathogenic.

Labcorp Genetics (formerly Invitae), Labcorp
Classification: Pathogenic for Aniridia 1; Irido-corneo-trabecular dysgenesis. Last evaluated: 2025-06-12. Review status: criteria provided, single submitter. Criteria: Invitae Variant Classification Sherloc (09022015). Collection method: clinical testing. Allele origin: germline.
Comment: This sequence change disrupts the translational stop signal of the PAX6 mRNA. It is expected to extend the length of the PAX6 protein by 14 additional amino acid residues. This variant is not present in population databases (gnomAD no frequency). This protein extension has been observed in individual(s) with aniridia (PMID: 11309364, 12552561, 27431685, 28321846, 29618921). In at least one individual the variant was observed to be de novo. It has also been observed to segregate with disease in related individuals. Invitae Evidence Modeling of clinical and family history, age, sex, and reported ancestry of multiple individuals with this PAX6 variant has been performed. This variant is expected to be pathogenic with a positive predictive value of at least 99%. This is a validated machine learning model that incorporates the clinical features of 11,666 individuals referred to our laboratory for PAX6 testing. This variant is also known as c.1290 A>T and X437L. ClinVar contains an entry for this variant (Variation ID: 3474). For these reasons, this variant has been classified as Pathogenic.

SingHealth Duke-NUS Institute of Precision Medicine
Classification: Likely pathogenic for Foveal hypoplasia 1. Last evaluated: 2025-02-05. Review status: criteria provided, single submitter. Criteria: PRISM ACMG Classification Criteria. Collection method: clinical testing. Allele origin: germline. Affected: yes.
Comment: Prevalence in affected patients is greater compared to the general populace (PS4). The variant extends the protein length past the stop codon (PM4). Variant is not found in gnomAD exomes or genomes (PM2). There is cosegregation with disease phenotypes in multiple families across multiple studies (PP1_str, PMID: 21850189;25555363;22361317;18241071;26661695;12552561;27431685;29618921;29367200;33594928)

Blueprint Genetics
Classification: Pathogenic for PAX6-related disorders. Last evaluated: 2024-11-11. Review status: criteria provided, single submitter. Criteria: ACMG Guidelines, 2015. Collection method: clinical testing. Allele origin: germline. Affected: yes. Observed: 5 variant alleles.

CeGaT Center for Human Genetics Tuebingen
Classification: Pathogenic. Last evaluated: 2024-01-01. Review status: criteria provided, single submitter. Criteria: CeGaT Center For Human Genetics Tuebingen Variant Classification Criteria Version 2. Collection method: clinical testing. Allele origin: germline. Affected: yes. Observed: 2 variant alleles.
Comment: PAX6: PP1:Strong, PM2, PM4, PS4:Moderate, PM6:Supporting, PP4

GeneDx
Classification: Pathogenic. Last evaluated: 2021-12-27. Review status: criteria provided, single submitter. Criteria: GeneDx Variant Classification Process June 2021. Collection method: clinical testing. Allele origin: germline. Affected: yes.
Comment: Normal stop codon changed to a Leucine codon, leading to the addition of 14 amino acids at the C-terminus; Not observed at significant frequency in large population cohorts (gnomAD); This variant is associated with the following publications: (PMID: 18494745, 20132240, 28321846, 21850189, 25555363, 22204637, 16098226, 6330922, 18494744, 16199712, 22361317, 28698011, 18241071, 10477494, 11309364, 26661695, 12552561, 27431685, 29618921, 29367200, 32360764, 33594928, 27535533, 34101622, 33726816, 32467297)

Wessex Regional Genetics Laboratory, Salisbury District Hospital
Classification: Pathogenic for Aniridia 1. Last evaluated: 2019-08-15. Review status: criteria provided, single submitter. Criteria: ACMG Guidelines, 2015. Collection method: clinical testing. Allele origin: unknown, inherited, de novo. Inheritance: Autosomal dominant inheritance. Affected: yes. Observed: 23 variant alleles.

Fulgent Genetics
Classification: Pathogenic for Aniridia 1; Coloboma, ocular, autosomal dominant; Coloboma of optic nerve; Foveal hypoplasia 1; Autosomal dominant keratitis; Isolated optic nerve hypoplasia; 11p partial monosomy syndrome; Irido-corneo-trabecular dysgenesis. Last evaluated: 2018-10-31. Review status: criteria provided, single submitter. Criteria: ACMG Guidelines, 2015. Collection method: clinical testing. Allele origin: unknown.

Clinical Genetics and Genomics, Karolinska University Hospital
Classification: Likely pathogenic for Nystagmus; Hypertelorism; Visual impairment. Last evaluated: 2018-03-29. Review status: criteria provided, single submitter. Criteria: ACMG Guidelines, 2015. Collection method: clinical testing. Allele origin: de novo. Inheritance: Autosomal dominant inheritance. Affected: yes. Observed: 1 heterozygote.

Eurofins Ntd Llc (ga)
Classification: Pathogenic. Last evaluated: 2015-01-15. Review status: criteria provided, single submitter. Criteria: EGL Classification Definitions 2015. Collection method: clinical testing. Allele origin: germline. Observed: 1 variant allele, 1 heterozygote.

OMIM
Classification: Pathogenic for ANIRIDIA. Last evaluated: 2003-02-01. Review status: no assertion criteria provided. Collection method: literature only. Allele origin: germline. Not counted in ClinVar's aggregate classification.

Laboratory of Genetic Epidemiology, Research Centre for Medical Genetics
Classification: Pathogenic for Aniridia 1. Review status: no assertion criteria provided. Collection method: research. Allele origin: de novo. Inheritance: Autosomal dominant inheritance. Affected: yes. Observed: 1 heterozygote. Not counted in ClinVar's aggregate classification.

Clinical Genetics and Genomics, Karolinska University Hospital
Classification: Likely pathogenic. Last evaluated: 2018-03-15. Review status: flagged submission. Criteria: ACMG Guidelines, 2015. Collection method: clinical testing. Allele origin: germline. Affected: yes. Observed: 1 variant allele. Not counted in ClinVar's aggregate classification.
ClinVar note: Reason: This record appears to be redundant with a more recent record from the same submitter.
ClinVar note: Notes: SCV001450012 appears to be redundant with SCV000924312.

Literature cited by the submitters: PubMed 11309364 (cited by Labcorp Genetics (formerly Invitae), Labcorp); PubMed 12552561 (cited by 3 submitters); PubMed 27431685 (cited by Labcorp Genetics (formerly Invitae), Labcorp and SingHealth Duke-NUS Institute of Precision Medicine); PubMed 28321846 (cited by Labcorp Genetics (formerly Invitae), Labcorp and Laboratory of Genetic Epidemiology, Research Centre for Medical Genetics); PubMed 29618921 (cited by Labcorp Genetics (formerly Invitae), Labcorp and SingHealth Duke-NUS Institute of Precision Medicine); PubMed 21850189 (cited by SingHealth Duke-NUS Institute of Precision Medicine); PubMed 25555363 (cited by SingHealth Duke-NUS Institute of Precision Medicine); PubMed 22361317 (cited by SingHealth Duke-NUS Institute of Precision Medicine); PubMed 18241071 (cited by SingHealth Duke-NUS Institute of Precision Medicine); PubMed 26661695 (cited by SingHealth Duke-NUS Institute of Precision Medicine); PubMed 29367200 (cited by SingHealth Duke-NUS Institute of Precision Medicine); PubMed 33594928 (cited by SingHealth Duke-NUS Institute of Precision Medicine); PubMed 11431688 (cited by Eurofins Ntd Llc (ga)); PubMed 12731001 (cited by Eurofins Ntd Llc (ga)); PubMed 16098226 (cited by Eurofins Ntd Llc (ga)).

NM_001368894.2(PAX6):c.1310A>T (p.Ter437Leu)

Genes: ELP4 (elongator acetyltransferase complex subunit 4; plus strand), PAX6 (paired box 6; minus strand). Cytogenetic location: 11p13.
Variant type: single nucleotide variant.
Coding change: c.1310A>T on transcript NM_001368894.2 (MANE Select); coding-DNA position 1310, A replaced by T.
Protein change: p.Ter437Leu.
Molecular consequence: stop lost. On other transcripts: 3 prime UTR variant (3), nonsense (9), non-coding transcript variant (2).
Genome position (GRCh38, 1-based): chr11:31,789,935, T>A on the plus strand (A>T on the coding strand, the complement: PAX6 is on the minus strand). VCF-style: chr11-31789935-T-A. GRCh37 (hg19) VCF-style: chr11-31811483-T-A.
Other names: *423L; *437L; *462L; *287L; *222L; *356L; *370L; *448L; and 18 more; short protein forms K387*, K237*, K388*, K320*, K373*.
Identifiers: ClinVar variation 3474 (VCV000003474.70), dbSNP rs121907922, ClinGen allele CA252798.